The following is an entry in ClinVar:

ClinVar aggregate classification (germline): Uncertain significance. Review status: criteria provided, multiple submitters, no conflicts (2 of 4 stars). 4 submissions from 4 submitters: Uncertain significance (3). 1 of the submissions does not count toward it. Last evaluated 2024-02-17.

Conditions:
DNMT3A-related disorder. Also called: DNMT3A-related disorders; DNMT3A-related condition.
Inborn genetic diseases. Identifiers: MedGen C0950123, MeSH D030342.
Tatton-Brown-Rahman overgrowth syndrome. Also called: Tall stature-intellectual disability-facial dysmorphism syndrome; Tatton-Brown-Rahman syndrome. Identifiers: Orphanet 404443, MedGen C4014545, MONDO:0014382, OMIM 615879.

Allele frequency attached by ClinVar (database versions not stated): gnomAD exomes below 0.00001 and 0.00001; gnomAD 0.00001 and 0.00002; TOPMed 0.00004.

Submissions (4):

Labcorp Genetics (formerly Invitae), Labcorp
Classification: Uncertain significance for Tatton-Brown-Rahman overgrowth syndrome. Last evaluated: 2024-02-17. Review status: criteria provided, single submitter. Criteria: Invitae Variant Classification Sherloc (09022015). Collection method: clinical testing. Allele origin: germline.
Comment: This sequence change replaces arginine, which is basic and polar, with glutamine, which is neutral and polar, at codon 596 of the DNMT3A protein (p.Arg596Gln). This variant is present in population databases (no rsID available, gnomAD 0.008%). This variant has not been reported in the literature in individuals affected with DNMT3A-related conditions. ClinVar contains an entry for this variant (Variation ID: 1701653). Advanced modeling of protein sequence and biophysical properties (such as structural, functional, and spatial information, amino acid conservation, physicochemical variation, residue mobility, and thermodynamic stability) performed at Invitae indicates that this missense variant is not expected to disrupt DNMT3A protein function with a negative predictive value of 80%. In summary, the available evidence is currently insufficient to determine the role of this variant in disease. Therefore, it has been classified as a Variant of Uncertain Significance.

Ambry Genetics
Classification: Uncertain significance for Inborn genetic diseases. Last evaluated: 2022-08-05. Review status: criteria provided, single submitter. Criteria: Ambry Variant Classification Scheme 2023. Collection method: clinical testing. Allele origin: germline.

New York Genome Center
Classification: Uncertain significance. Last evaluated: 2021-09-26. Review status: criteria provided, single submitter. Criteria: NYGC Assertion Criteria 2020. Collection method: clinical testing. Allele origin: inherited. Observed: 1 heterozygote. Study: CSER-NYCKidSeq.

PreventionGenetics, part of Exact Sciences
Classification: Uncertain significance for DNMT3A-related condition. Last evaluated: 2024-02-19. Review status: no assertion criteria provided. Collection method: clinical testing. Allele origin: germline. Not counted in ClinVar's aggregate classification.
Comment: The DNMT3A c.1787G>A variant is predicted to result in the amino acid substitution p.Arg596Gln. To our knowledge, this variant has not been reported in the literature. This variant is reported in 0.012% of alleles in individuals of African descent in gnomAD. At this time, the clinical significance of this variant is uncertain due to the absence of conclusive functional and genetic evidence.

NM_022552.5(DNMT3A):c.1787G>A (p.Arg596Gln)

Gene: DNMT3A (DNA methyltransferase 3 alpha; minus strand). Cytogenetic location: 2p23.3.
Variant type: single nucleotide variant.
Coding change: c.1787G>A on transcript NM_022552.5 (MANE Select); coding-DNA position 1787, G replaced by A.
Protein change: p.Arg596Gln; replaces arginine 596 with glutamine.
Molecular consequence: missense variant. On other transcripts: non-coding transcript variant (1).
Genome position (GRCh38, 1-based): chr2:25,244,219, C>T on the plus strand (G>A on the coding strand, the complement: DNMT3A is on the minus strand). VCF-style: chr2-25244219-C-T. GRCh37 (hg19) VCF-style: chr2-25467088-C-T.
Other names: c.1787G>A (NM_175629.1); c.1331G>A, p.Arg444Gln (NM_001320893.1); c.1118G>A, p.Arg373Gln (NM_001375819.1); c.1220G>A, p.Arg407Gln (NM_153759.3); c.1787G>A, p.Arg596Gln (NM_175629.2); short protein forms R373Q, R407Q, R444Q, R596Q.
Identifiers: ClinVar variation 1701653 (VCV001701653.8), dbSNP rs899717364, ClinGen allele CA43703315.